The following is an entry in ClinVar:

NM_000051.4(ATM):c.4093C>A (p.Leu1365Ile)

Gene: ATM (ATM serine/threonine kinase; plus strand). Cytogenetic location: 11q22.3.
Variant type: single nucleotide variant.
Coding change: c.4093C>A on transcript NM_000051.4 (MANE Select); coding-DNA position 4093, C replaced by A.
Protein change: p.Leu1365Ile; replaces leucine 1365 with isoleucine.
Molecular consequence: missense variant.
Genome position (GRCh38, 1-based): chr11:108,287,699, C>A. VCF-style: chr11-108287699-C-A. GRCh37 (hg19) VCF-style: chr11-108158426-C-A.
Other names: c.4093C>A, p.Leu1365Ile (NM_001351834.2); short protein forms L1365I.
Identifiers: ClinVar variation 2132507 (VCV002132507.5), dbSNP rs1423720712, ClinGen allele CA382528489.

ClinVar aggregate classification (germline): Uncertain significance. Review status: criteria provided, multiple submitters, no conflicts (2 of 4 stars). 2 submissions from 2 submitters: Uncertain significance (2). Last evaluated 2025-09-18.

Conditions:
Ataxia-telangiectasia syndrome (AT). Also called: Cerebello-oculocutaneous telangiectasia; Immunodeficiency with ataxia telangiectasia; Ataxia-telangiectasia, complementation group D; Ataxia telangiectasia (A-T); ATAXIA-TELANGIECTASIA, COMPLEMENTATION GROUP A; ATAXIA-TELANGIECTASIA, FRESNO VARIANT. Identifiers: Orphanet 100, MedGen C0004135, MONDO:0008840, OMIM 208900.
Hereditary cancer-predisposing syndrome. Also called: Hereditary Cancer Syndrome; Neoplastic Syndromes, Hereditary; Hereditary neoplastic syndrome; Tumor predisposition. Identifiers: Orphanet 140162, MedGen C0027672, MeSH D009386, MONDO:0015356.

Submissions (2):

Ambry Genetics
Classification: Uncertain significance for Hereditary cancer-predisposing syndrome. Last evaluated: 2025-09-18. Review status: criteria provided, single submitter. Criteria: Ambry Variant Classification Scheme 2023. Collection method: clinical testing. Allele origin: germline.
Comment: The p.L1365I variant (also known as c.4093C>A), located in coding exon 26 of the ATM gene, results from a C to A substitution at nucleotide position 4093. The leucine at codon 1365 is replaced by isoleucine, an amino acid with highly similar properties. This amino acid position is conserved. In addition, this alteration is predicted to be tolerated by in silico analysis. Based on the available evidence, the clinical significance of this variant remains unclear.

Labcorp Genetics (formerly Invitae), Labcorp
Classification: Uncertain significance for Ataxia-telangiectasia syndrome. Last evaluated: 2025-07-25. Review status: criteria provided, single submitter. Criteria: Invitae Variant Classification Sherloc (09022015). Collection method: clinical testing. Allele origin: germline.
Comment: This sequence change replaces leucine, which is neutral and non-polar, with isoleucine, which is neutral and non-polar, at codon 1365 of the ATM protein (p.Leu1365Ile). This variant is not present in population databases (gnomAD no frequency). This variant has not been reported in the literature in individuals affected with ATM-related conditions. ClinVar contains an entry for this variant (Variation ID: 2132507). Invitae Evidence Modeling of protein sequence and biophysical properties (such as structural, functional, and spatial information, amino acid conservation, physicochemical variation, residue mobility, and thermodynamic stability) indicates that this missense variant is not expected to disrupt ATM protein function with a negative predictive value of 95%. In summary, the available evidence is currently insufficient to determine the role of this variant in disease. Therefore, it has been classified as a Variant of Uncertain Significance.